The following is an entry in ClinVar:

ClinVar aggregate classification (germline): Pathogenic/Likely pathogenic. Review status: criteria provided, multiple submitters, no conflicts (2 of 4 stars). 7 submissions from 7 submitters: Pathogenic (5); Likely pathogenic (2). Last evaluated 2025-12-31.

Conditions:
MLC1-related disorder. Also called: MLC1-related condition.
Megalencephalic leukoencephalopathy with subcortical cysts. Also called: VAN DER KNAAP DISEASE. Identifiers: Orphanet 2478, MedGen C1858854, MONDO:0011391.
Megalencephalic leukoencephalopathy with subcortical cysts 1 (MLC1). Also called: LEUKOENCEPHALOPATHY WITH SWELLING AND CYSTS; VACUOLATING MEGALENCEPHALIC LEUKOENCEPHALOPATHY WITH SUBCORTICAL CYSTS. Identifiers: Orphanet 2478, MedGen C5779875, MONDO:0024555, OMIM 604004.

Allele frequency attached by ClinVar (database versions not stated): gnomAD 0.00001; gnomAD exomes 0.00001 and 0.00002; TOPMed 0.00001; ExAC 0.00002.
gnomAD v4.1: 16 of 1,613,946 alleles (0.00099%); highest among the groups gnomAD compares: Admixed American, 0.0033%; no homozygotes.

Submissions (7):

Natera, Inc.
Classification: Pathogenic for Megalencephalic leukoencephalopathy with subcortical cysts. Last evaluated: 2025-12-31. Review status: criteria provided, single submitter. Criteria: Natera Variant Classification Schema (03/2026). Collection method: clinical testing. Allele origin: germline.
Comment: The c.353C>T variant in MLC1 is a missense variant predicted to cause substitution of threonine to methionine at amino acid 118. This variant is rare in the general population with a frequency below the threshold expected for the associated phenotype(s). This variant has been observed in one or more individuals affected with the associated recessive disease, as either homozygous or compound heterozygous with a second variant (PMID: 25497041, 39184309, 27322623, 21160490, 11935341). Given the available evidence, this variant is classified as Pathogenic.

3billion
Classification: Pathogenic for Megalencephalic leukoencephalopathy with subcortical cysts 1. Last evaluated: 2025-09-19. Review status: criteria provided, single submitter. Criteria: ACMG Guidelines, 2015. Collection method: clinical testing. Allele origin: germline. Affected: yes.
Comment: The variant is observed at an extremely low frequency in the gnomAD v4.1.0 dataset (total allele frequency: <0.001%). Predicted Consequence/Location: Missense variant Functional studies provide moderate evidence of the variant having a damaging effect on the gene or gene product (PMID: 15367490, 18757878). In silico tool predictions suggest damaging effect of the variant on gene or gene product [REVEL: 0.89 (>=0.6, sensitivity 0.68 and specificity 0.92); 3Cnet: 0.91 (> 0.75, sensitivity 0.96 and precision 0.92)]. The same nucleotide change resulting in the same amino acid change has been previously reported as pathogenic/likely pathogenic with strong evidence (ClinVar ID: VCV000857173 /PMID: 11935341). The variant has been reported to co-segregate with the disease in at least one similarly affected relative/individual in the same family or similarly affected unrelated families (PMID: 27322623). A different missense change at the same codon (p.Thr118Arg) has been reported to be associated with MLC1-related disorder (PMID: 11254442). Therefore, this variant is classified as Pathogenic according to the recommendation of ACMG/AMP guideline.

Labcorp Genetics (formerly Invitae), Labcorp
Classification: Pathogenic. Last evaluated: 2024-01-25. Review status: criteria provided, single submitter. Criteria: Invitae Variant Classification Sherloc (09022015). Collection method: clinical testing. Allele origin: germline.
Comment: This sequence change replaces threonine, which is neutral and polar, with methionine, which is neutral and non-polar, at codon 118 of the MLC1 protein (p.Thr118Met). This variant is present in population databases (rs281875316, gnomAD 0.006%). This missense change has been observed in individuals with megalencephalic leukoencephalopathy with subcortical cysts (PMID: 11935341, 21160490, 25497041, 27322623). It has also been observed to segregate with disease in related individuals. ClinVar contains an entry for this variant (Variation ID: 857173). Advanced modeling of protein sequence and biophysical properties (such as structural, functional, and spatial information, amino acid conservation, physicochemical variation, residue mobility, and thermodynamic stability) performed at Invitae indicates that this missense variant is not expected to disrupt MLC1 protein function with a negative predictive value of 80%. Experimental studies have shown that this missense change affects MLC1 function (PMID: 18757878, 22416245). Algorithms developed to predict the effect of sequence changes on RNA splicing suggest that this variant may disrupt the consensus splice site. This variant disrupts the p.Thr118 amino acid residue in MLC1. Other variant(s) that disrupt this residue have been observed in individuals with MLC1-related conditions (PMID: 11254442), which suggests that this may be a clinically significant amino acid residue. For these reasons, this variant has been classified as Pathogenic.

Blueprint Genetics
Classification: Pathogenic for MLC1-related disorders. Last evaluated: 2023-10-25. Review status: criteria provided, single submitter. Criteria: ACMG Guidelines, 2015. Collection method: clinical testing. Allele origin: germline. Affected: yes. Observed: 1 variant allele.

Fulgent Genetics
Classification: Likely pathogenic for Megalencephalic leukoencephalopathy with subcortical cysts 1. Last evaluated: 2021-10-18. Review status: criteria provided, single submitter. Criteria: ACMG Guidelines, 2015. Collection method: clinical testing. Allele origin: unknown.

GeneDx
Classification: Pathogenic. Last evaluated: 2020-12-01. Review status: criteria provided, single submitter. Criteria: GeneDx Variant Classification Process June 2021. Collection method: clinical testing. Allele origin: germline. Affected: yes.
Comment: Published functional studies demonstrate a damaging effect; transfected cells had lower protein expression compared to wild type (Xie et al., 2012).; This variant is associated with the following publications: (PMID: 27322623, 21160490, 11935341, 22416245, 18757878)

Juno Genomics, Hangzhou Juno Genomics, Inc
Classification: Likely pathogenic for Megalencephalic leukoencephalopathy with subcortical cysts 1. Review status: criteria provided, single submitter. Criteria: ACMG Guidelines, 2015. Collection method: clinical testing. Allele origin: germline.
Comment: Absent from controls (or at extremely low frequency if recessive) in Genome Aggregation Database.;Multiple lines of computational evidence support a deleterious effect on the gene or gene product.;For recessive disorders, detected in trans with a pathogenic variant.;Patient's phenotype or family history is highly specific for a disease with a single genetic etiology.

Literature cited by the submitters: PubMed 25497041 (cited by Natera, Inc. and Labcorp Genetics (formerly Invitae), Labcorp); PubMed 39184309 (cited by Natera, Inc.); PubMed 27322623 (cited by 3 submitters); PubMed 21160490 (cited by Natera, Inc. and Labcorp Genetics (formerly Invitae), Labcorp); PubMed 11935341 (cited by 3 submitters); PubMed 18757878 (cited by 3billion and Labcorp Genetics (formerly Invitae), Labcorp); PubMed 15367490 (cited by 3billion); PubMed 11254442 (cited by 3billion and Labcorp Genetics (formerly Invitae), Labcorp); PubMed 22416245 (cited by Labcorp Genetics (formerly Invitae), Labcorp).

NM_015166.4(MLC1):c.353C>T (p.Thr118Met)

Gene: MLC1 (modulator of VRAC current 1; minus strand). Cytogenetic location: 22q13.33.
Variant type: single nucleotide variant.
Coding change: c.353C>T on transcript NM_015166.4 (MANE Select); coding-DNA position 353, C replaced by T.
Protein change: p.Thr118Met; replaces threonine 118 with methionine.
Molecular consequence: missense variant. On other transcripts: non-coding transcript variant (3), intron variant (3).
Genome position (GRCh38, 1-based): chr22:50,079,988, G>A on the plus strand (C>T on the coding strand, the complement: MLC1 is on the minus strand). VCF-style: chr22-50079988-G-A. GRCh37 (hg19) VCF-style: chr22-50518417-G-A.
Other names: c.353C>T, p.Thr118Met (NM_001376472.1, NM_001376473.1, NM_001376474.1 and 6 more transcripts); c.263C>T, p.Thr88Met (NM_001376480.1); c.116C>T, p.Thr39Met (NM_001376484.1); c.268-2486C>T (NM_001376482.1, NM_001376483.1); c.321+356C>T (NM_001376481.1); short protein forms T118M, T39M, T88M.
Identifiers: ClinVar variation 857173 (VCV000857173.21), dbSNP rs281875316, ClinGen allele CA090935.